The following is an entry in ClinVar:

NM_003922.4(HERC1):c.3915T>A (p.Ser1305Arg)

Gene: HERC1 (HECT and RLD domain containing E3 ubiquitin protein ligase family member 1; minus strand). Cytogenetic location: 15q22.31.
Variant type: single nucleotide variant.
Coding change: c.3915T>A on transcript NM_003922.4 (MANE Select); coding-DNA position 3915, T replaced by A.
Protein change: p.Ser1305Arg; replaces serine 1305 with arginine.
Molecular consequence: missense variant.
Genome position (GRCh38, 1-based): chr15:63,718,637, A>T on the plus strand (T>A on the coding strand, the complement: HERC1 is on the minus strand). VCF-style: chr15-63718637-A-T. GRCh37 (hg19) VCF-style: chr15-64010836-A-T.
Other names: short protein forms S1305R.
Identifiers: ClinVar variation 3618187 (VCV003618187.2).

ClinVar aggregate classification (germline): Uncertain significance (1 of 4 stars; one submission).

Submission:

Labcorp Genetics (formerly Invitae), Labcorp
Classification: Uncertain significance. Last evaluated: 2025-01-27. Review status: criteria provided, single submitter. Criteria: Invitae Variant Classification Sherloc (09022015). Collection method: clinical testing. Allele origin: germline.
Comment: This sequence change replaces serine, which is neutral and polar, with arginine, which is basic and polar, at codon 1305 of the HERC1 protein (p.Ser1305Arg). This variant is not present in population databases (gnomAD no frequency). This variant has not been reported in the literature in individuals affected with HERC1-related conditions. Invitae Evidence Modeling of protein sequence and biophysical properties (such as structural, functional, and spatial information, amino acid conservation, physicochemical variation, residue mobility, and thermodynamic stability) indicates that this missense variant is not expected to disrupt HERC1 protein function with a negative predictive value of 80%. In summary, the available evidence is currently insufficient to determine the role of this variant in disease. Therefore, it has been classified as a Variant of Uncertain Significance.